The following is an entry in ClinVar:

NM_152564.5(VPS13B):c.11810del (p.Lys3937fs)

Gene: VPS13B (vacuolar protein sorting 13 homolog B; plus strand). Cytogenetic location: 8q22.2.
Variant type: Deletion.
Coding change: c.11810del on transcript NM_152564.5 (MANE Select); coding-DNA position 11810, one base deleted (A; older notation c.11810delA).
Protein change: p.Lys3937fs; shifts the reading frame from lysine 3937.
Molecular consequence: frameshift variant.
Genome position (GRCh38, 1-based): chr8:99,875,482, A deleted; the last of 3 consecutive A bases (chr8:99,875,480-99,875,482); deleting any one gives the same sequence. VCF-style (leftmost placement, unchanged base first): chr8-99875479-CA-C. GRCh37 (hg19) VCF-style: chr8-100887707-CA-C.
Other names: c.11885del, p.Lys3962fs (NM_017890.5); short protein forms K3962fs, K3937fs.
Identifiers: ClinVar variation 1400298 (VCV001400298.8), dbSNP rs1371736348, ClinGen allele CA2573143494.
Genomic context (GRCh38, chr8:99,875,479, plus strand): 5'-TAGATGGAGTCCGAGAGAGACTGTCAGAGCAACAGTACAACAGACTGGTGGACTACATCA[CA>C]AAGACATCTTGTCACCTGGCCCCCAGCTGTTCTTCCATGCAAATACCATGCCCTGTGGTG-3'

ClinVar aggregate classification (germline): Pathogenic (1 of 4 stars; one submission).

Conditions:
Cohen syndrome (COH1). Also called: PEPPER SYNDROME; Cutis verticis gyrata, retinitis pigmentosa, and sensorineural deafness. Identifiers: Orphanet 193, MedGen C0265223, MONDO:0008999, OMIM 216550.

Submission:

Labcorp Genetics (formerly Invitae), Labcorp
Classification: Pathogenic for Cohen syndrome. Last evaluated: 2026-01-19. Review status: criteria provided, single submitter. Criteria: Invitae Variant Classification Sherloc (09022015). Collection method: clinical testing. Allele origin: germline.
Comment: This sequence change creates a premature translational stop signal (p.Lys3962Argfs*51) in the VPS13B gene. While this is not anticipated to result in nonsense mediated decay, it is expected to disrupt the last 61 amino acid(s) of the VPS13B protein. This variant is not present in population databases (gnomAD no frequency). This variant has not been reported in the literature in individuals affected with VPS13B-related conditions. ClinVar contains an entry for this variant (Variation ID: 1400298). This variant disrupts a region of the VPS13B protein in which other variant(s) (p.Pro3969Leufs*41) have been determined to be pathogenic (internal data). This suggests that this is a clinically significant region of the protein, and that variants that disrupt it are likely to be disease-causing. For these reasons, this variant has been classified as Pathogenic.